The following is an entry in ClinVar:

ClinVar aggregate classification (germline): Likely benign. Review status: criteria provided, multiple submitters, no conflicts (2 of 4 stars). 2 submissions from 2 submitters: Likely benign (2). Last evaluated 2022-04-16.

Allele frequency attached by ClinVar (database versions not stated): gnomAD exomes below 0.00001.
gnomAD v4.1: 4 of 1,204,527 alleles (0.00033%); highest among the groups gnomAD compares: South Asian, 0.0018%; no homozygotes.

Submissions (2):

Labcorp Genetics (formerly Invitae), Labcorp
Classification: Likely benign. Last evaluated: 2022-04-16. Review status: criteria provided, single submitter. Criteria: Invitae Variant Classification Sherloc (09022015). Collection method: clinical testing. Allele origin: germline.

CeGaT Center for Human Genetics Tuebingen
Classification: Likely benign. Last evaluated: 2022-03-01. Review status: criteria provided, single submitter. Criteria: CeGaT Center For Human Genetics Tuebingen Variant Classification Criteria Version 2. Collection method: clinical testing. Allele origin: germline. Affected: yes. Observed: 1 variant allele.
Comment: GYG2: BP4, BP7

NM_001079855.2(GYG2):c.246C>T (p.Leu82=)

Gene: GYG2 (glycogenin 2; plus strand). Cytogenetic location: Xp22.33.
Variant type: single nucleotide variant.
Coding change: c.246C>T on transcript NM_001079855.2 (MANE Select); coding-DNA position 246, C replaced by T.
Protein change: p.Leu82=; no amino-acid change (leucine 82 retained).
Molecular consequence: synonymous variant. On other transcripts: 5 prime UTR variant (1).
Genome position (GRCh38, 1-based): chrX:2,854,076, C>T. VCF-style: chrX-2854076-C-T. GRCh37 (hg19) VCF-style: chrX-2772117-C-T.
Other names: c.246C>T, p.Leu82= (NM_001184702.2); c.339C>T, p.Leu113= (NM_001184703.2, NM_003918.3); c.-220C>T (NM_001184704.2).
Identifiers: ClinVar variation 1977905 (VCV001977905.29), dbSNP rs886542819, ClinGen allele CA325965158.